The following is an entry in ClinVar:

ClinVar aggregate classification (germline): Uncertain significance (1 of 4 stars; one submission).

Conditions:
Neurofibromatosis, type 1 (NF1). Also called: VON RECKLINGHAUSEN DISEASE; Peripheral type neurofibromatosis; NEUROFIBROMATOSIS, TYPE I, SOMATIC; Neurofibromatosis, type I. Identifiers: Orphanet 636, MedGen C0027831, MONDO:0018975, OMIM 162200. Disease mechanism: loss of function.

Submission:

Labcorp Genetics (formerly Invitae), Labcorp
Classification: Uncertain significance for Neurofibromatosis, type 1. Last evaluated: 2025-09-03. Review status: criteria provided, single submitter. Criteria: Invitae Variant Classification Sherloc (09022015). Collection method: clinical testing. Allele origin: germline.
Comment: This sequence change replaces glutamine, which is neutral and polar, with glutamic acid, which is acidic and polar, at codon 589 of the NF1 protein (p.Gln589Glu). This variant is not present in population databases (gnomAD no frequency). This missense change has been observed in individual(s) with breast cancer (PMID: 30287823). Invitae Evidence Modeling of protein sequence and biophysical properties (such as structural, functional, and spatial information, amino acid conservation, physicochemical variation, residue mobility, and thermodynamic stability) has been performed for this missense variant. However, the output from this modeling did not meet the statistical confidence thresholds required to predict the impact of this variant on NF1 protein function. In summary, the available evidence is currently insufficient to determine the role of this variant in disease. Therefore, it has been classified as a Variant of Uncertain Significance.

Literature cited by the submitters: PubMed 30287823.

NM_001042492.3(NF1):c.1765C>G (p.Gln589Glu)

Gene: NF1 (neurofibromin 1; plus strand). Cytogenetic location: 17q11.2.
Variant type: single nucleotide variant.
Coding change: c.1765C>G on transcript NM_001042492.3 (MANE Select); coding-DNA position 1765, C replaced by G.
Protein change: p.Gln589Glu; replaces glutamine 589 with glutamic acid.
Molecular consequence: missense variant.
Genome position (GRCh38, 1-based): chr17:31,223,487, C>G. VCF-style: chr17-31223487-C-G. GRCh37 (hg19) VCF-style: chr17-29550505-C-G.
Other names: c.1765C>G, p.Gln589Glu (NM_000267.4); short protein forms Q589E.
Identifiers: ClinVar variation 4739106 (VCV004739106.1).
Genomic context (GRCh38, chr17:31,223,487, plus strand): 5'-ACTTTATGTTACTGCAGCTCACAAATGCTTTTTTACATCTGCAAGAAATTAACTAGTCAT[C>G]AAATGCTTAGTAGCACAGAAATTCTCAAGTGGTTGCGGGAAATATTGATCTGCAGGAATA-3'
Protein context (NP_001035957.1, residues 579-599): FYICKKLTSH[Gln589Glu]MLSSTEILKW